The following is an entry in ClinVar:

NM_014946.4(SPAST):c.830del (p.Gly277fs)

Gene: SPAST (spastin; plus strand). Cytogenetic location: 2p22.3.
Variant type: Deletion.
Coding change: c.830del on transcript NM_014946.4 (MANE Select); coding-DNA position 830, one base deleted (G; older notation c.830delG).
Protein change: p.Gly277fs; shifts the reading frame from glycine 277.
Molecular consequence: frameshift variant.
Genome position (GRCh38, 1-based): chr2:32,114,785, G deleted; the last of 2 consecutive G bases (chr2:32,114,784-32,114,785); deleting either gives the same sequence. VCF-style (leftmost placement, unchanged base first): chr2-32114783-TG-T. GRCh37 (hg19) VCF-style: chr2-32339852-TG-T.
Other names: c.827del, p.Gly276fs (NM_001363823.2); c.731del, p.Gly244fs (NM_001363875.2); c.734del, p.Gly245fs (NM_001377959.1, NM_199436.2); short protein forms G245fs, G276fs, G244fs, G277fs.
Identifiers: ClinVar variation 3639405 (VCV003639405.2).

ClinVar aggregate classification (germline): Pathogenic (1 of 4 stars; one submission).

Conditions:
Hereditary spastic paraplegia 4. Also called: Spastic paraplegia 4, autosomal dominant; Spastic Paraplegia 4; Familial spastic paraplegia autosomal dominant 2. Identifiers: Orphanet 100985, MedGen C1866855, MONDO:0008438, OMIM 182601.

Submission:

Labcorp Genetics (formerly Invitae), Labcorp
Classification: Pathogenic for Hereditary spastic paraplegia 4. Last evaluated: 2024-02-07. Review status: criteria provided, single submitter. Criteria: Invitae Variant Classification Sherloc (09022015). Collection method: clinical testing. Allele origin: germline.
Comment: This sequence change creates a premature translational stop signal (p.Gly277Glufs*2) in the SPAST gene. It is expected to result in an absent or disrupted protein product. Loss-of-function variants in SPAST are known to be pathogenic (PMID: 20932283). This variant is not present in population databases (gnomAD no frequency). This variant has not been reported in the literature in individuals affected with SPAST-related conditions. Algorithms developed to predict the effect of sequence changes on RNA splicing suggest that this variant may disrupt the consensus splice site. For these reasons, this variant has been classified as Pathogenic.

Literature cited by the submitters: PubMed 20932283.